The following is an entry in ClinVar:

NM_024642.5(GALNT12):c.1508C>A (p.Pro503His)

Gene: GALNT12 (polypeptide N-acetylgalactosaminyltransferase 12; plus strand). Cytogenetic location: 9q22.33.
Variant type: single nucleotide variant.
Coding change: c.1508C>A on transcript NM_024642.5 (MANE Select); coding-DNA position 1508, C replaced by A.
Protein change: p.Pro503His; replaces proline 503 with histidine.
Molecular consequence: missense variant.
Genome position (GRCh38, 1-based): chr9:98,846,026, C>A. VCF-style: chr9-98846026-C-A. GRCh37 (hg19) VCF-style: chr9-101608308-C-A.
Other names: short protein forms P503H.
Identifiers: ClinVar variation 1054251 (VCV001054251.12), dbSNP rs2118504858, ClinGen allele CA374221694.

ClinVar aggregate classification (germline): Uncertain significance. Review status: criteria provided, multiple submitters, no conflicts (2 of 4 stars). 2 submissions from 2 submitters: Uncertain significance (2). Last evaluated 2025-07-03.

Submissions (2):

Ambry Genetics
Classification: Uncertain significance. Last evaluated: 2025-07-03. Review status: criteria provided, single submitter. Criteria: Ambry Variant Classification Scheme 2023. Collection method: clinical testing. Allele origin: germline.
Comment: The p.P503H variant (also known as c.1508C>A), located in coding exon 9 of the GALNT12 gene, results from a C to A substitution at nucleotide position 1508. The proline at codon 503 is replaced by histidine, an amino acid with similar properties. This amino acid position is conserved. In addition, the in silico prediction for this alteration is inconclusive. Since supporting evidence is limited at this time, the clinical significance of this alteration remains unclear.

Labcorp Genetics (formerly Invitae), Labcorp
Classification: Uncertain significance. Last evaluated: 2022-10-13. Review status: criteria provided, single submitter. Criteria: Invitae Variant Classification Sherloc (09022015). Collection method: clinical testing. Allele origin: germline.
Comment: In summary, the available evidence is currently insufficient to determine the role of this variant in disease. Therefore, it has been classified as a Variant of Uncertain Significance. Algorithms developed to predict the effect of missense changes on protein structure and function are either unavailable or do not agree on the potential impact of this missense change (SIFT: "Deleterious"; PolyPhen-2: "Probably Damaging"; Align-GVGD: "Class C0"). ClinVar contains an entry for this variant (Variation ID: 1054251). This variant has not been reported in the literature in individuals affected with GALNT12-related conditions. This variant is not present in population databases (gnomAD no frequency). This sequence change replaces proline, which is neutral and non-polar, with histidine, which is basic and polar, at codon 503 of the GALNT12 protein (p.Pro503His).